The following is an entry in ClinVar:

ClinVar aggregate classification (germline): Uncertain significance (1 of 4 stars; one submission).

Conditions:
SRCAP-related disorder. Also called: SRCAP-related condition.

Submission:

PreventionGenetics, part of Exact Sciences
Classification: Uncertain significance for SRCAP-related condition. Last evaluated: 2023-07-14. Review status: criteria provided, single submitter. Criteria: ACMG Guidelines, 2015. Collection method: clinical testing. Allele origin: germline.
Comment: The SRCAP c.3598A>T variant is predicted to result in the amino acid substitution p.Asn1200Tyr. To our knowledge, this variant has not been reported in the literature or in a large population database, indicating this variant is rare. At this time, the clinical significance of this variant is uncertain due to the absence of conclusive functional and genetic evidence.

NM_006662.3(SRCAP):c.3598A>T (p.Asn1200Tyr)

Gene: SRCAP (Snf2 related CREBBP activator protein; plus strand). Cytogenetic location: 16p11.2.
Variant type: single nucleotide variant.
Coding change: c.3598A>T on transcript NM_006662.3 (MANE Select); coding-DNA position 3598, A replaced by T.
Protein change: p.Asn1200Tyr; replaces asparagine 1200 with tyrosine.
Molecular consequence: missense variant.
Genome position (GRCh38, 1-based): chr16:30,722,178, A>T. VCF-style: chr16-30722178-A-T. GRCh37 (hg19) VCF-style: chr16-30733499-A-T.
Other names: short protein forms N1200Y.
Identifiers: ClinVar variation 2631365 (VCV002631365.1), dbSNP rs2506669292, ClinGen allele CA395614311.